The following is an entry in ClinVar:

ClinVar aggregate classification (germline): Likely pathogenic (1 of 4 stars; one submission).

Submission:

CeGaT Center for Human Genetics Tuebingen
Classification: Likely pathogenic. Last evaluated: 2023-12-01. Review status: criteria provided, single submitter. Criteria: CeGaT Center For Human Genetics Tuebingen Variant Classification Criteria Version 2. Collection method: clinical testing. Allele origin: germline. Affected: yes. Observed: 1 variant allele.
Comment: CXCR4: PVS1:Strong, PM2

NM_003467.3(CXCR4):c.957del (p.Ser319_Val320insTer)

Gene: CXCR4 (C-X-C motif chemokine receptor 4; minus strand). Cytogenetic location: 2q22.1.
Variant type: Deletion.
Coding change: c.957del on transcript NM_003467.3 (MANE Select); coding-DNA position 957, one base deleted (T; older notation c.957delT).
Protein change: p.Ser319_Val320insTer.
Molecular consequence: frameshift variant.
Genome position (GRCh38, 1-based): chr2:136,114,971, A deleted on the plus strand (T on the coding strand, the reverse complement: CXCR4 is on the minus strand). VCF-style (leftmost placement, unchanged base first): chr2-136114970-CA-C. GRCh37 (hg19) VCF-style: chr2-136872540-CA-C.
Other names: c.969del, p.Ser323_Val324insTer (NM_001008540.2); c.1170del, p.Ser390_Val391insTer (NM_001348056.2); c.1056del, p.Ser352_Val353insTer (NM_001348059.2); c.912del, p.Ser304_Val305insTer (NM_001348060.2).
Identifiers: ClinVar variation 3026663 (VCV003026663.22), dbSNP rs2467263282, ClinGen allele CA2740095693.